The following is an entry in ClinVar:

NM_018897.3(DNAH7):c.3059T>C (p.Ile1020Thr)

Gene: DNAH7 (dynein axonemal heavy chain 7; minus strand). Cytogenetic location: 2q32.3.
Variant type: single nucleotide variant.
Coding change: c.3059T>C on transcript NM_018897.3 (MANE Select); coding-DNA position 3059, T replaced by C.
Protein change: p.Ile1020Thr; replaces isoleucine 1020 with threonine.
Molecular consequence: missense variant.
Genome position (GRCh38, 1-based): chr2:195,957,280, A>G on the plus strand (T>C on the coding strand, the complement: DNAH7 is on the minus strand). VCF-style: chr2-195957280-A-G. GRCh37 (hg19) VCF-style: chr2-196822004-A-G.
Other names: short protein forms I1020T.
Identifiers: ClinVar variation 377778 (VCV000377778.7), dbSNP rs62623378, ClinGen allele CA2036196.

ClinVar aggregate classification (germline): Benign. Review status: criteria provided, multiple submitters, no conflicts (2 of 4 stars). 4 submissions from 4 submitters: Benign (3). 1 of the submissions does not count toward it. Last evaluated 2016-03-29.

Conditions:
DNAH7-related disorder. Also called: DNAH7-related condition.

Allele frequency attached by ClinVar (database versions not stated): 1000 Genomes Project 30x 0.04606; 1000 Genomes Project 0.04772; TOPMed 0.07421; gnomAD 0.08135 and 0.08141; ESP Exome Variant Server 0.08752; gnomAD exomes 0.08990 and 0.10018; ExAC 0.09081.
gnomAD v4.1: 153,985 of 1,563,484 alleles (9.8%); highest among the groups gnomAD compares: Middle Eastern, 18%; 8,409 homozygotes.

Submissions (4):

Laboratory for Molecular Medicine, Mass General Brigham Personalized Medicine
Classification: Benign. Last evaluated: 2016-03-29. Review status: criteria provided, single submitter. Criteria: LMM Criteria. Collection method: clinical testing. Allele origin: germline.
Comment: Variant identified in a genome or exome case(s) and assessed due to predicted null impact of the variant or pathogenic assertions in the literature or databases. Disclaimer: This variant has not undergone full assessment. The following are preliminary notes: Frequency

GeneDx
Classification: Benign. Last evaluated: 2015-05-13. Review status: criteria provided, single submitter. Criteria: GeneDx Variant Classification (06012015). Collection method: clinical testing. Allele origin: germline. Affected: yes.
Comment: This variant is considered likely benign or benign based on one or more of the following criteria: it is a conservative change, it occurs at a poorly conserved position in the protein, it is predicted to be benign by multiple in silico algorithms, and/or has population frequency not consistent with disease.

Breakthrough Genomics
Classification: Benign. Review status: criteria provided, single submitter. Criteria: ACMG Guidelines, 2015. Collection method: not provided. Allele origin: germline. Inheritance: Unknown mechanism. Affected: yes.

PreventionGenetics, part of Exact Sciences
Classification: Benign for DNAH7-related condition. Last evaluated: 2024-03-11. Review status: no assertion criteria provided. Collection method: clinical testing. Allele origin: germline. Not counted in ClinVar's aggregate classification.
Comment: This variant is classified as benign based on ACMG/AMP sequence variant interpretation guidelines (Richards et al. 2015 PMID: 25741868, with internal and published modifications).